The following is an entry in ClinVar:

ClinVar aggregate classification (germline): Uncertain significance (1 of 4 stars; one submission).

Submission:

Labcorp Genetics (formerly Invitae), Labcorp
Classification: Uncertain significance. Last evaluated: 2025-07-07. Review status: criteria provided, single submitter. Criteria: Invitae Variant Classification Sherloc (09022015). Collection method: clinical testing. Allele origin: germline.
Comment: This sequence change replaces serine, which is neutral and polar, with glycine, which is neutral and non-polar, at codon 1478 of the LAMB1 protein (p.Ser1478Gly). This variant is not present in population databases (gnomAD no frequency). This variant has not been reported in the literature in individuals affected with LAMB1-related conditions. ClinVar contains an entry for this variant (Variation ID: 1436701). An algorithm developed to predict the effect of missense changes on protein structure and function (PolyPhen-2) suggests that this variant is likely to be tolerated. In summary, the available evidence is currently insufficient to determine the role of this variant in disease. Therefore, it has been classified as a Variant of Uncertain Significance.

NM_002291.3(LAMB1):c.4432A>G (p.Ser1478Gly)

Gene: LAMB1 (laminin subunit beta 1; minus strand). Cytogenetic location: 7q31.1.
Variant type: single nucleotide variant.
Coding change: c.4432A>G on transcript NM_002291.3 (MANE Select); coding-DNA position 4432, A replaced by G.
Protein change: p.Ser1478Gly; replaces serine 1478 with glycine.
Molecular consequence: missense variant.
Genome position (GRCh38, 1-based): chr7:107,931,461, T>C on the plus strand (A>G on the coding strand, the complement: LAMB1 is on the minus strand). VCF-style: chr7-107931461-T-C. GRCh37 (hg19) VCF-style: chr7-107571906-T-C.
Other names: short protein forms S1478G.
Identifiers: ClinVar variation 1436701 (VCV001436701.8), dbSNP rs2116325539, ClinGen allele CA368864187.
Genomic context (GRCh38, chr7:107,931,461, plus strand): 5'-CATTGCTCTTGTCCATTTTTTCTTTGGTAGCATTTGTCTTCAACAGAATGTCTTCAGCAC[T>C]TTGTTTTGCCTCATCTGCCCTCAGTTTTGCTTCAGAGACCTAAATATGAAGAATAAATTA-3'
Protein context (NP_002282.2, residues 1468-1488): AKLRADEAKQ[Ser1478Gly]AEDILLKTNA